The following is an entry in ClinVar:

NM_020778.5(ALPK3):c.2960C>T (p.Ala987Val)

Gene: ALPK3 (alpha kinase 3; plus strand). Cytogenetic location: 15q25.3.
Variant type: single nucleotide variant.
Coding change: c.2960C>T on transcript NM_020778.5 (MANE Select); coding-DNA position 2960, C replaced by T.
Protein change: p.Ala987Val; replaces alanine 987 with valine.
Molecular consequence: missense variant.
Genome position (GRCh38, 1-based): chr15:84,857,698, C>T. VCF-style: chr15-84857698-C-T. GRCh37 (hg19) VCF-style: chr15-85400929-C-T.
Other names: short protein forms A987V.
Identifiers: ClinVar variation 2759878 (VCV002759878.3), dbSNP rs1324378709, ClinGen allele CA393359331.

ClinVar aggregate classification (germline): Uncertain significance (1 of 4 stars; one submission).

Submission:

Labcorp Genetics (formerly Invitae), Labcorp
Classification: Uncertain significance. Last evaluated: 2023-11-14. Review status: criteria provided, single submitter. Criteria: Invitae Variant Classification Sherloc (09022015). Collection method: clinical testing. Allele origin: germline.
Comment: This sequence change replaces alanine, which is neutral and non-polar, with valine, which is neutral and non-polar, at codon 1189 of the ALPK3 protein (p.Ala1189Val). This variant is not present in population databases (gnomAD no frequency). This variant has not been reported in the literature in individuals affected with ALPK3-related conditions. Advanced modeling of protein sequence and biophysical properties (such as structural, functional, and spatial information, amino acid conservation, physicochemical variation, residue mobility, and thermodynamic stability) performed at Invitae indicates that this missense variant is not expected to disrupt ALPK3 protein function with a negative predictive value of 80%. In summary, the available evidence is currently insufficient to determine the role of this variant in disease. Therefore, it has been classified as a Variant of Uncertain Significance.